The following is an entry in ClinVar:

ClinVar aggregate classification (germline): Uncertain significance (1 of 4 stars; one submission).

Allele frequency attached by ClinVar (database versions not stated): gnomAD exomes below 0.00001; ExAC 0.00001.
gnomAD v4.1: 1 of 1,613,896 alleles (0.000062%); highest among the groups gnomAD compares: Non-Finnish European, 0.000085%; no homozygotes.

Submission:

GeneDx
Classification: Uncertain significance. Last evaluated: 2022-03-22. Review status: criteria provided, single submitter. Criteria: GeneDx Variant Classification Process June 2021. Collection method: clinical testing. Allele origin: germline. Affected: yes.
Comment: In silico analysis supports that this missense variant has a deleterious effect on protein structure/function; Has not been previously published as pathogenic or benign to our knowledge

NM_001371623.1(TCOF1):c.2747C>T (p.Pro916Leu)

Gene: TCOF1 (treacle ribosome biogenesis factor 1; plus strand). Cytogenetic location: 5q32.
Variant type: single nucleotide variant.
Coding change: c.2747C>T on transcript NM_001371623.1 (MANE Select); coding-DNA position 2747, C replaced by T.
Protein change: p.Pro916Leu; replaces proline 916 with leucine.
Molecular consequence: missense variant.
Genome position (GRCh38, 1-based): chr5:150,379,620, C>T. VCF-style: chr5-150379620-C-T. GRCh37 (hg19) VCF-style: chr5-149759183-C-T.
Other names: c.2516C>T, p.Pro839Leu (NM_000356.4, NM_001135245.2); c.2747C>T, p.Pro916Leu (NM_001008657.3, NM_001135243.2, NM_001135244.2 and 1 more transcripts); short protein forms P839L, P916L.
Identifiers: ClinVar variation 1707059 (VCV001707059.2), dbSNP rs759243621, ClinGen allele CA3511261.
Genomic context (GRCh38, chr5:150,379,620, plus strand): 5'-TCAGAGCTGCCTTGGCTCCTGCCAAGGAGTCCCCCAGGAAAGGGGCTGCCCCAACACCTC[C>T]TGGGAAGACAGGGCCTTCGGCTGCCCAGGCAGGGAAGCAGGATGACTCAGGGAGCAGCAG-3'
Protein context (NP_001358552.1, residues 906-926): SPRKGAAPTP[Pro916Leu]GKTGPSAAQA